The following is an entry in ClinVar:

NM_000817.3(GAD1):c.757G>A (p.Ala253Thr)

Gene: GAD1 (glutamate decarboxylase 1; plus strand). Cytogenetic location: 2q31.1.
Variant type: single nucleotide variant.
Coding change: c.757G>A on transcript NM_000817.3 (MANE Select); coding-DNA position 757, G replaced by A.
Protein change: p.Ala253Thr; replaces alanine 253 with threonine.
Molecular consequence: missense variant.
Genome position (GRCh38, 1-based): chr2:170,845,511, G>A. VCF-style: chr2-170845511-G-A. GRCh37 (hg19) VCF-style: chr2-171702021-G-A.
Other names: short protein forms A253T.
Identifiers: ClinVar variation 1509172 (VCV001509172.8), dbSNP rs2105799342, ClinGen allele CA349275074.

ClinVar aggregate classification (germline): Uncertain significance (1 of 4 stars; one submission).

Conditions:
Neurodevelopmental disorder with progressive spasticity and brain white matter abnormalities. Also called: CEREBRAL PALSY, SPASTIC QUADRIPLEGIC, 1. Identifiers: Orphanet 210141, Orphanet 641353, MedGen C5436628, MONDO:0033613, OMIM 619026.

Allele frequency attached by ClinVar (database versions not stated): gnomAD exomes below 0.00001.
gnomAD v4.1: 2 of 1,613,222 alleles (0.00012%); highest among the groups gnomAD compares: Non-Finnish European, 0.00017%; no homozygotes.

Submission:

Labcorp Genetics (formerly Invitae), Labcorp
Classification: Uncertain significance for Neurodevelopmental disorder with progressive spasticity and brain white matter abnormalities. Last evaluated: 2020-12-07. Review status: criteria provided, single submitter. Criteria: Invitae Variant Classification Sherloc (09022015). Collection method: clinical testing. Allele origin: germline.
Comment: In summary, the available evidence is currently insufficient to determine the role of this variant in disease. Therefore, it has been classified as a Variant of Uncertain Significance. Algorithms developed to predict the effect of missense changes on protein structure and function are either unavailable or do not agree on the potential impact of this missense change (SIFT: "Deleterious"; PolyPhen-2: "Probably Damaging"; Align-GVGD: "Class C0"). This variant has not been reported in the literature in individuals with GAD1-related conditions. This variant is not present in population databases (ExAC no frequency). This sequence change replaces alanine with threonine at codon 253 of the GAD1 protein (p.Ala253Thr). The alanine residue is highly conserved and there is a small physicochemical difference between alanine and threonine.